The following is an entry in ClinVar:

NM_053025.4(MYLK):c.4998T>G (p.Asp1666Glu)

Genes: MYLK (myosin light chain kinase; minus strand), MYLK-AS1 (MYLK antisense RNA 1; plus strand), LOC126806791 (MED14-independent group 3 enhancer GRCh37_chr3:123347871-123349070; plus strand). Cytogenetic location: 3q21.1.
Variant type: single nucleotide variant.
Coding change: c.4998T>G on transcript NM_053025.4 (MANE Select); coding-DNA position 4998, T replaced by G.
Protein change: p.Asp1666Glu; replaces aspartic acid 1666 with glutamic acid.
Molecular consequence: missense variant. On other transcripts: non-coding transcript variant (2), intron variant (2).
Genome position (GRCh38, 1-based): chr3:123,629,590, A>C on the plus strand (T>G on the coding strand, the complement: MYLK is on the minus strand). VCF-style: chr3-123629590-A-C. GRCh37 (hg19) VCF-style: chr3-123348437-A-C.
Other names: c.4470T>G, p.Asp1490Glu (NM_001321309.2); c.4791T>G, p.Asp1597Glu (NM_053026.4); c.4755-2649T>G (NM_053028.4); c.4962-2649T>G (NM_053027.4); short protein forms D1490E, D1597E, D1666E.
Identifiers: ClinVar variation 2732045 (VCV002732045.3), dbSNP rs2058324424, ClinGen allele CA354233356.
Genomic context (GRCh38, chr3:123,629,590, plus strand): 5'-ATCGAATGCCTCGTCGTCGAAGTCCCAGGTGGCTGAGGTAACGTTGGCCAAGGTTTCGTT[A>C]TCGTTGTCTCCCATGAAGGGGGAAAGGCCACTGACTCTGGAGAGACAAGAGCAGGACAGC-3'
Protein context (NP_444253.3, residues 1656-1676): SGLSPFMGDN[Asp1666Glu]NETLANVTSA

ClinVar aggregate classification (germline): Uncertain significance (1 of 4 stars; one submission).

Conditions:
Aortic aneurysm, familial thoracic 7 (AAT7). Also called: AORTIC DISSECTION, FAMILIAL, WITH OR WITHOUT AORTIC ANEURYSM. Identifiers: MedGen C3151077, MONDO:0013418, OMIM 613780.

Allele frequency attached by ClinVar (database versions not stated): gnomAD exomes 0.00001.
gnomAD v4.1: 4 of 1,614,092 alleles (0.00025%); highest among the groups gnomAD compares: East Asian, 0.0089%; no homozygotes.

Submission:

Labcorp Genetics (formerly Invitae), Labcorp
Classification: Uncertain significance for Aortic aneurysm, familial thoracic 7. Last evaluated: 2023-07-07. Review status: criteria provided, single submitter. Criteria: Invitae Variant Classification Sherloc (09022015). Collection method: clinical testing. Allele origin: germline.
Comment: This sequence change replaces aspartic acid, which is acidic and polar, with glutamic acid, which is acidic and polar, at codon 1666 of the MYLK protein (p.Asp1666Glu). This variant is not present in population databases (gnomAD no frequency). This variant has not been reported in the literature in individuals affected with MYLK-related conditions. Advanced modeling of protein sequence and biophysical properties (such as structural, functional, and spatial information, amino acid conservation, physicochemical variation, residue mobility, and thermodynamic stability) performed at Invitae indicates that this missense variant is not expected to disrupt MYLK protein function. In summary, the available evidence is currently insufficient to determine the role of this variant in disease. Therefore, it has been classified as a Variant of Uncertain Significance.